The following is an entry in ClinVar:

ClinVar aggregate classification (germline): Uncertain significance (1 of 4 stars; one submission).

Conditions:
Inborn genetic diseases. Identifiers: MedGen C0950123, MeSH D030342.

Submission:

Ambry Genetics
Classification: Uncertain significance for Inborn genetic diseases. Last evaluated: 2024-12-20. Review status: criteria provided, single submitter. Criteria: Ambry Variant Classification Scheme 2023. Collection method: clinical testing. Allele origin: germline.
Comment: The p.P1692S variant (also known as c.5074C>T), located in coding exon 20 of the FANCM gene, results from a C to T substitution at nucleotide position 5074. The proline at codon 1692 is replaced by serine, an amino acid with similar properties. This amino acid position is conserved. In addition, this alteration is predicted to be tolerated by in silico analysis. Based on the available evidence, the clinical significance of this variant remains unclear.

NM_020937.4(FANCM):c.5074C>T (p.Pro1692Ser)

Gene: FANCM (FA complementation group M; plus strand). Cytogenetic location: 14q21.2.
Variant type: single nucleotide variant.
Coding change: c.5074C>T on transcript NM_020937.4 (MANE Select); coding-DNA position 5074, C replaced by T.
Protein change: p.Pro1692Ser; replaces proline 1692 with serine.
Molecular consequence: missense variant.
Genome position (GRCh38, 1-based): chr14:45,189,096, C>T. VCF-style: chr14-45189096-C-T. GRCh37 (hg19) VCF-style: chr14-45658299-C-T.
Other names: c.4996C>T, p.Pro1666Ser (NM_001308133.2); short protein forms P1692S, P1666S.
Identifiers: ClinVar variation 3848517 (VCV003848517.1).